The following is an entry in ClinVar:

NM_004208.4(AIFM1):c.1435C>G (p.Gln479Glu)

Genes: AIFM1 (apoptosis inducing factor mitochondria associated 1; minus strand), RAB33A (RAB33A, member RAS oncogene family; plus strand). Cytogenetic location: Xq26.1.
Variant type: single nucleotide variant.
Coding change: c.1435C>G on transcript NM_004208.4 (MANE Select); coding-DNA position 1435, C replaced by G.
Protein change: p.Gln479Glu; replaces glutamine 479 with glutamic acid.
Molecular consequence: missense variant. On other transcripts: 3 prime UTR variant (1), non-coding transcript variant (1).
Genome position (GRCh38, 1-based): chrX:130,133,326, G>C on the plus strand (C>G on the coding strand, the complement: AIFM1 is on the minus strand). VCF-style: chrX-130133326-G-C. GRCh37 (hg19) VCF-style: chrX-129267301-G-C.
Other names: c.418C>G, p.Gln140Glu (NM_001130846.4); c.*663C>G (NM_001130847.4); c.1423C>G, p.Gln475Glu (NM_145812.3); short protein forms Q140E, Q475E, Q479E.
Identifiers: ClinVar variation 1307248 (VCV001307248.3), dbSNP rs2124648352, ClinGen allele CA414573084.
Genomic context (GRCh38, chrX:130,133,326, plus strand): 5'-GATACTGAGTTGTAATCAGTTGGGTCTCCAAGGCACACCACTATTACCAGAACATTGACT[G>C]ATGCCAGTACGGCTTAGCAGCTCCAGTCATATTTTCTCCAGCCAATCTTCCACTCACAAC-3'
Protein context (NP_004199.1, residues 469-489): MTGAAKPYWH[Gln479Glu]SMFWSDLGPD

ClinVar aggregate classification (germline): Uncertain significance (1 of 4 stars; one submission).

gnomAD v4.1: 1 of 1,211,272 alleles (0.000083%); no homozygotes.

Submission:

GeneDx
Classification: Uncertain significance. Last evaluated: 2026-01-15. Review status: criteria provided, single submitter. Criteria: GeneDx Variant Classification Process June 2021. Collection method: clinical testing. Allele origin: germline. Affected: yes.
Comment: Not observed at significant frequency in large population cohorts (gnomAD); In silico analysis supports that this missense variant has a deleterious effect on protein structure/function; Has not been previously published as pathogenic or benign to our knowledge